The following is an entry in ClinVar:

NM_020066.5(FMN2):c.2886A>G (p.Ala962=)

Gene: FMN2 (formin 2; plus strand). Cytogenetic location: 1q43.
Variant type: single nucleotide variant.
Coding change: c.2886A>G on transcript NM_020066.5 (MANE Select); coding-DNA position 2886, A replaced by G.
Protein change: p.Ala962=; no amino-acid change (alanine 962 retained).
Molecular consequence: synonymous variant. On other transcripts: intron variant (1).
Genome position (GRCh38, 1-based): chr1:240,207,698, A>G. VCF-style: chr1-240207698-A-G. GRCh37 (hg19) VCF-style: chr1-240370998-A-G.
Other names: c.2898A>G, p.Ala966= (NM_001305424.2); c.1986+19436A>G (NM_001348094.2).
Identifiers: ClinVar variation 435228 (VCV000435228.11), dbSNP rs199866405, ClinGen allele CA1476851.
Genomic context (GRCh38, chr1:240,207,698, plus strand): 5'-ACCTCCTCCGCCCCCTCTACCCGGAGCGGCAATACCCCCTCCGCCCCCTCTTCCCGGGGC[A>G]GGCATACCCCTTCCTCCCCCTCTTCCCGGAGCAGGAATACCTCCTCCACCCCCTCTACCC-3'
Protein context (NP_064450.3, residues 952-972): AIPPPPPLPG[Ala962=]GIPLPPPLPG

ClinVar aggregate classification (germline): Likely benign. Review status: criteria provided, multiple submitters, no conflicts (2 of 4 stars). 5 submissions from 5 submitters: Likely benign (5). Last evaluated 2024-11-26.

Conditions:
FMN2-related disorder. Also called: FMN2-related condition.
Intellectual developmental disorder, autosomal recessive 47. Also called: Intellectual disability, autosomal recessive 47. Identifiers: Orphanet 88616, MedGen C4015444, MONDO:0014524, OMIM 616193.

Allele frequency attached by ClinVar (database versions not stated): gnomAD exomes 0.01138; gnomAD 0.00564 and 0.00583; ExAC 0.00347.
gnomAD v4.1: 8,534 of 756,088 alleles (1.1%); highest among the groups gnomAD compares: East Asian, 3.6%; 189 homozygotes.

Submissions (5):

Blueprint Genetics
Classification: Likely benign. Last evaluated: 2024-11-26. Review status: criteria provided, single submitter. Criteria: ACMG Guidelines, 2015. Collection method: clinical testing. Allele origin: germline.

Revvity Omics, Revvity
Classification: Likely benign for Intellectual developmental disorder, autosomal recessive 47. Last evaluated: 2023-10-30. Review status: criteria provided, single submitter. Criteria: ACMG Guidelines, 2015. Collection method: clinical testing. Allele origin: germline.

PreventionGenetics, part of Exact Sciences
Classification: Likely benign for FMN2-related condition. Last evaluated: 2019-10-24. Review status: criteria provided, single submitter. Criteria: ACMG Guidelines, 2015. Collection method: clinical testing. Allele origin: germline.
Comment: This variant is classified as likely benign based on ACMG/AMP sequence variant interpretation guidelines (Richards et al. 2015 PMID: 25741868, with internal and published modifications).

Genetic Services Laboratory, University of Chicago
Classification: Likely benign. Last evaluated: 2015-09-18. Review status: criteria provided, single submitter. Criteria: ACMG Guidelines, 2015. Collection method: clinical testing. Allele origin: germline. Affected: no.

Breakthrough Genomics
Classification: Likely benign. Review status: criteria provided, single submitter. Criteria: ACMG Guidelines, 2015. Collection method: not provided. Allele origin: germline. Inheritance: Autosomal recessive inheritance. Affected: yes.